The following is an entry in ClinVar:

ClinVar aggregate classification (germline): Uncertain significance (1 of 4 stars; one submission).

Conditions:
SEMA3G-related disorder. Also called: SEMA3G-related condition.

gnomAD v4.1: 5 of 1,589,970 alleles (0.00031%); highest among the groups gnomAD compares: Non-Finnish European, 0.00043%; no homozygotes.

Submission:

PreventionGenetics, part of Exact Sciences
Classification: Uncertain significance for SEMA3G-related condition. Last evaluated: 2025-07-24. Review status: criteria provided, single submitter. Criteria: ACMG Guidelines, 2015. Collection method: clinical testing. Allele origin: germline.
Comment: The SEMA3G c.117C>A variant is predicted to result in the amino acid substitution p.Asp39Glu. To our knowledge, this variant has not been reported in the literature or in a large population database (gnomAD), indicating this variant is rare. At this time, the clinical significance of this variant is uncertain due to the absence of conclusive functional and genetic evidence.

NM_020163.3(SEMA3G):c.117C>A (p.Asp39Glu)

Gene: SEMA3G (semaphorin 3G; minus strand). Cytogenetic location: 3p21.1.
Variant type: single nucleotide variant.
Coding change: c.117C>A on transcript NM_020163.3 (MANE Select); coding-DNA position 117, C replaced by A.
Protein change: p.Asp39Glu; replaces aspartic acid 39 with glutamic acid.
Molecular consequence: missense variant.
Genome position (GRCh38, 1-based): chr3:52,442,906, G>T on the plus strand (C>A on the coding strand, the complement: SEMA3G is on the minus strand). VCF-style: chr3-52442906-G-T. GRCh37 (hg19) VCF-style: chr3-52476922-G-T.
Other names: short protein forms D39E.
Identifiers: ClinVar variation 4981858 (VCV004981858.1).
Genomic context (GRCh38, chr3:52,442,906, plus strand): 5'-CTGGAGGTTCAGGGAGCCCTGGGGGCCCAGAAAGATGGCAGAGCGGTTGGCAGACAGGAG[G>T]TCTAGGAGGATGTATGGGGAGGCAGATCAGGGCCACAGCTCAGCCTAGTTCCCCAGCCAA-3'
Protein context (NP_064548.1, residues 29-49): SVPRLRLSYR[Asp39Glu]LLSANRSAIF